The following is an entry in ClinVar:

NM_002336.3(LRP6):c.10G>T (p.Val4Phe)

Gene: LRP6 (LDL receptor related protein 6; minus strand). Cytogenetic location: 12p13.2.
Variant type: single nucleotide variant.
Coding change: c.10G>T on transcript NM_002336.3 (MANE Select); coding-DNA position 10, G replaced by T.
Protein change: p.Val4Phe; replaces valine 4 with phenylalanine.
Molecular consequence: missense variant. On other transcripts: 5 prime UTR variant (2), non-coding transcript variant (1), intron variant (1).
Genome position (GRCh38, 1-based): chr12:12,266,726, C>A on the plus strand (G>T on the coding strand, the complement: LRP6 is on the minus strand). VCF-style: chr12-12266726-C-A. GRCh37 (hg19) VCF-style: chr12-12419660-C-A.
Other names: c.10G>T, p.Val4Phe (NM_001414244.1, NM_001414245.1, NM_001414246.1 and 6 more transcripts); c.-50G>T (NM_001414252.1); c.-440G>T (NM_001414254.1); c.-399+38G>T (NM_001414253.1); short protein forms V4F.
Identifiers: ClinVar variation 3673856 (VCV003673856.2).

ClinVar aggregate classification (germline): Uncertain significance (1 of 4 stars; one submission).

gnomAD v4.1: 2 of 1,613,436 alleles (0.00012%); highest among the groups gnomAD compares: Non-Finnish European, 0.00017%; no homozygotes.

Submission:

Labcorp Genetics (formerly Invitae), Labcorp
Classification: Uncertain significance. Last evaluated: 2025-10-18. Review status: criteria provided, single submitter. Criteria: Invitae Variant Classification Sherloc (09022015). Collection method: clinical testing. Allele origin: germline.
Comment: This sequence change replaces valine, which is neutral and non-polar, with phenylalanine, which is neutral and non-polar, at codon 4 of the LRP6 protein (p.Val4Phe). This variant is present in population databases (no rsID available, gnomAD 0.007%). This variant has not been reported in the literature in individuals affected with LRP6-related conditions. ClinVar contains an entry for this variant (Variation ID: 3673856). An algorithm developed to predict the effect of missense changes on protein structure and function (PolyPhen-2) suggests that this variant is likely to be tolerated. In summary, the available evidence is currently insufficient to determine the role of this variant in disease. Therefore, it has been classified as a Variant of Uncertain Significance.